The following is an entry in ClinVar:

NM_001323289.2(CDKL5):c.681A>G (p.Leu227=)

Gene: CDKL5 (cyclin dependent kinase like 5; plus strand). Cytogenetic location: Xp22.13.
Variant type: single nucleotide variant.
Coding change: c.681A>G on transcript NM_001323289.2 (MANE Select); coding-DNA position 681, A replaced by G.
Protein change: p.Leu227=; no amino-acid change (leucine 227 retained).
Molecular consequence: synonymous variant.
Genome position (GRCh38, 1-based): chrX:18,588,080, A>G. VCF-style: chrX-18588080-A-G. GRCh37 (hg19) VCF-style: chrX-18606200-A-G.
Other names: c.681A>G, p.Leu227= (NM_001037343.2, NM_003159.3).
Identifiers: ClinVar variation 386866 (VCV000386866.1), dbSNP rs1057522628, ClinGen allele CA16609161.

ClinVar aggregate classification (germline): Likely benign (1 of 4 stars; one submission).

Allele frequency attached by ClinVar (database versions not stated): gnomAD exomes below 0.00001.
gnomAD v4.1: 1 of 1,210,287 alleles (0.000083%); highest among the groups gnomAD compares: East Asian, 0.003%; no homozygotes.

Submission:

GeneDx
Classification: Likely benign. Last evaluated: 2016-06-10. Review status: criteria provided, single submitter. Criteria: GeneDx Variant Classification (06012015). Collection method: clinical testing. Allele origin: germline. Affected: yes.
Comment: This variant is considered likely benign or benign based on one or more of the following criteria: it is a conservative change, it occurs at a poorly conserved position in the protein, it is predicted to be benign by multiple in silico algorithms, and/or has population frequency not consistent with disease.